The following is an entry in ClinVar:

ClinVar aggregate classification (germline): Uncertain significance (1 of 4 stars; one submission).

Conditions:
Aicardi-Goutieres syndrome 5. Identifiers: Orphanet 51, MedGen C2749659, MONDO:0013059, OMIM 612952.

Submission:

Labcorp Genetics (formerly Invitae), Labcorp
Classification: Uncertain significance for Aicardi-Goutieres syndrome 5. Last evaluated: 2021-07-22. Review status: criteria provided, single submitter. Criteria: Invitae Variant Classification Sherloc (09022015). Collection method: clinical testing. Allele origin: germline.
Comment: This sequence change replaces threonine with asparagine at codon 365 of the SAMHD1 protein (p.Thr365Asn). The threonine residue is moderately conserved and there is a small physicochemical difference between threonine and asparagine. This variant is not present in population databases (ExAC no frequency). This variant has not been reported in the literature in individuals with SAMHD1-related conditions. Algorithms developed to predict the effect of missense changes on protein structure and function are either unavailable or do not agree on the potential impact of this missense change (SIFT: "Deleterious"; PolyPhen-2: "Benign"; Align-GVGD: "Class C0"). In summary, the available evidence is currently insufficient to determine the role of this variant in disease. Therefore, it has been classified as a Variant of Uncertain Significance.

NM_015474.4(SAMHD1):c.1094C>A (p.Thr365Asn)

Gene: SAMHD1 (SAM and HD domain containing deoxynucleoside triphosphate triphosphohydrolase 1; minus strand). Cytogenetic location: 20q11.23.
Variant type: single nucleotide variant.
Coding change: c.1094C>A on transcript NM_015474.4 (MANE Select); coding-DNA position 1094, C replaced by A.
Protein change: p.Thr365Asn; replaces threonine 365 with asparagine.
Molecular consequence: missense variant.
Genome position (GRCh38, 1-based): chr20:36,912,521, G>T on the plus strand (C>A on the coding strand, the complement: SAMHD1 is on the minus strand). VCF-style: chr20-36912521-G-T. GRCh37 (hg19) VCF-style: chr20-35540924-G-T.
Other names: c.1094C>A, p.Thr365Asn (NM_001363729.2, NM_001363733.2); short protein forms T365N.
Identifiers: ClinVar variation 845675 (VCV000845675.9), dbSNP rs2063446998, ClinGen allele CA408844294.